The following is an entry in ClinVar:

ClinVar aggregate classification (germline): Uncertain significance (1 of 4 stars; one submission).

gnomAD v4.1: 1 of 1,614,172 alleles (0.000062%); highest among the groups gnomAD compares: Non-Finnish European, 0.000085%; no homozygotes.

Submission:

Labcorp Genetics (formerly Invitae), Labcorp
Classification: Uncertain significance. Last evaluated: 2025-06-17. Review status: criteria provided, single submitter. Criteria: Invitae Variant Classification Sherloc (09022015). Collection method: clinical testing. Allele origin: germline.
Comment: This sequence change replaces serine, which is neutral and polar, with tyrosine, which is neutral and polar, at codon 210 of the SLC7A14 protein (p.Ser210Tyr). This variant is not present in population databases (gnomAD no frequency). This variant has not been reported in the literature in individuals affected with SLC7A14-related conditions. An algorithm developed to predict the effect of missense changes on protein structure and function (PolyPhen-2) suggests that this variant is likely to be disruptive. In summary, the available evidence is currently insufficient to determine the role of this variant in disease. Therefore, it has been classified as a Variant of Uncertain Significance.

NM_020949.3(SLC7A14):c.629C>A (p.Ser210Tyr)

Genes: SLC7A14 (solute carrier family 7 member 14; minus strand), SLC7A14-AS1 (SLC7A14 antisense RNA 1; plus strand). Cytogenetic location: 3q26.2.
Variant type: single nucleotide variant.
Coding change: c.629C>A on transcript NM_020949.3 (MANE Select); coding-DNA position 629, C replaced by A.
Protein change: p.Ser210Tyr; replaces serine 210 with tyrosine.
Molecular consequence: missense variant.
Genome position (GRCh38, 1-based): chr3:170,498,797, G>T on the plus strand (C>A on the coding strand, the complement: SLC7A14 is on the minus strand). VCF-style: chr3-170498797-G-T. GRCh37 (hg19) VCF-style: chr3-170216586-G-T.
Other names: short protein forms S210Y.
Identifiers: ClinVar variation 4721225 (VCV004721225.1).
Genomic context (GRCh38, chr3:170,498,797, plus strand): 5'-ATCATGATGAACACCCATACTGCCAGGTTCAGCACATTGAGAACATTGTTGAAGCCTATG[G>T]AATTCTTCACCCCCAGAGCAACAATGATGGTCACGATGACCGCGATCAACAGAGCCAGAA-3'
Protein context (NP_066000.2, residues 200-220): TIIVALGVKN[Ser210Tyr]IGFNNVLNVL